The following is an entry in ClinVar:

NM_001197104.2(KMT2A):c.2546G>A (p.Arg849Lys)

Gene: KMT2A (lysine methyltransferase 2A; plus strand). Cytogenetic location: 11q23.3.
Variant type: single nucleotide variant.
Coding change: c.2546G>A on transcript NM_001197104.2 (MANE Select); coding-DNA position 2546, G replaced by A.
Protein change: p.Arg849Lys; replaces arginine 849 with lysine.
Molecular consequence: missense variant.
Genome position (GRCh38, 1-based): chr11:118,473,705, G>A. VCF-style: chr11-118473705-G-A. GRCh37 (hg19) VCF-style: chr11-118344420-G-A.
Other names: c.2645G>A, p.Arg882Lys (NM_001412597.1); c.2546G>A, p.Arg849Lys (NM_005933.4); short protein forms R849K, R882K.
Identifiers: ClinVar variation 3376346 (VCV003376346.1).

ClinVar aggregate classification (germline): Uncertain significance (1 of 4 stars; one submission).

Conditions:
Wiedemann-Steiner syndrome (WDSTS). Also called: Growth deficiency and mental retardation with facial dysmorphism. Identifiers: Orphanet 319182, MedGen C1854630, MONDO:0011518, OMIM 605130.

gnomAD v4.1: 1 of 1,614,176 alleles (0.000062%); highest among the groups gnomAD compares: South Asian, 0.0011%; no homozygotes.

Submission:

Pittsburgh Clinical Genomics Laboratory, University of Pittsburgh Medical Center
Classification: Uncertain significance for Wiedemann-Steiner syndrome. Last evaluated: 2024-02-23. Review status: criteria provided, single submitter. Criteria: ACMG Guidelines, 2015. Collection method: clinical testing. Allele origin: germline. Inheritance: Autosomal dominant inheritance. Affected: yes.
Comment: This sequence variant is a single nucleotide substitution (G>A) at position 2546 of the coding sequence of the KMT2A gene that results in an arginine to lysine amino acid change at residue 849 of the lysine methyltransferase 2A protein. This variant is absent from ClinVar and has not been observed in individuals affected by a KMT2A-related disorder in the published literature, to our knowledge. This variant is present in 1 of 1461878 alleles (0.00007%) in the gnomAD v4.0.0 population dataset. Multiple bioinformatic tools predict that this amino acid change would be neutral, and the Arg849 residue at this position is moderately conserved across the vertebrate species examined. Studies examining the functional consequence of this variant have not been published, to our knowledge. At this time, there is insufficient evidence to determine if this variant is pathogenic or benign. Therefore, we consider this a variant of uncertain significance. ACMG Criteria: BP4, PM2